The following is an entry in ClinVar:

ClinVar aggregate classification (germline): Likely pathogenic (1 of 4 stars; one submission).

Conditions:
O'Donnell-Luria-Rodan syndrome (ODLURO). Also called: KMT2E-Related Neurodevelopmental Disorder. Identifiers: MedGen C5193138, MONDO:0032793, OMIM 618512.

Submissions (2):

Greenwood Genetic Center Diagnostic Laboratories, Greenwood Genetic Center
Classification: Likely pathogenic for O'Donnell-Luria-Rodan syndrome. Last evaluated: 2024-12-06. Review status: criteria provided, single submitter. Criteria: ACMG Guidelines, 2015. Collection method: clinical testing. Allele origin: germline. Affected: yes.
Comment: PS2, PM2, PP3

Dr. Peter K. Rogan Lab, Western University
No classification provided (evidence only). Condition: Cervical cancer. Review status: no classification provided. Collection method: in vitro. Allele origin: not applicable. Functional consequence: retained intron. Not counted in ClinVar's aggregate classification.

NM_182931.3(KMT2E):c.1225C>T (p.Arg409Trp)

Gene: KMT2E (lysine methyltransferase 2E (inactive); plus strand). Cytogenetic location: 7q22.3.
Variant type: single nucleotide variant.
Coding change: c.1225C>T on transcript NM_182931.3 (MANE Select); coding-DNA position 1225, C replaced by T.
Protein change: p.Arg409Trp; replaces arginine 409 with tryptophan.
Molecular consequence: missense variant.
Genome position (GRCh38, 1-based): chr7:105,078,940, C>T. VCF-style: chr7-105078940-C-T. GRCh37 (hg19) VCF-style: chr7-104719387-C-T.
Other names: NC_000007.13:g.104719387C>T; c.1225C>T, p.Arg409Trp (NM_001410908.1, NM_018682.4); short protein forms R409W.
Identifiers: ClinVar variation 3765807 (VCV003765807.2).
Genomic context (GRCh38, chr7:105,078,940, plus strand): 5'-CATGGGCTAGAAATGTGTGTTGATGCAAGGACTTTTGGGAATGAGGCTCGATTCATCAGG[C>T]GGTCTTGTACACCCAATGCAGAGGTAAGCTTATAGAAATTTTTTGGGGAGATGTGGGTGC-3'
Protein context (NP_891847.1, residues 399-419): TFGNEARFIR[Arg409Trp]SCTPNAEVRH